The following is an entry in ClinVar:

ClinVar aggregate classification (germline): Uncertain significance (1 of 4 stars; one submission).

Submission:

Women's Health and Genetics/Laboratory Corporation of America, LabCorp
Classification: Uncertain significance. Last evaluated: 2025-03-05. Review status: criteria provided, single submitter. Criteria: LabCorp Variant Classification Summary - May 2015. Collection method: clinical testing. Allele origin: germline.
Comment: Variant summary: ADAM17 c.80G>A (p.Gly27Asp) results in a non-conservative amino acid change in the encoded protein sequence. Three of five in-silico tools predict a benign effect of the variant on protein function. The variant allele was found at a frequency of 6.3e-07 in 1599152 control chromosomes (gnomAD database v4). The available data on variant occurrences in the general population are insufficient to allow any conclusion about variant significance. To our knowledge, no occurrence of c.80G>A in individuals affected with Inflammatory skin and bowel disease, neonatal, 1 and no experimental evidence demonstrating its impact on protein function have been reported. No submitters have cited clinical-significance assessments for this variant to ClinVar. Based on the evidence outlined above, the variant was classified as uncertain significance.

NM_003183.6(ADAM17):c.80G>A (p.Gly27Asp)

Gene: ADAM17 (ADAM metallopeptidase domain 17; minus strand). Cytogenetic location: 2p25.1.
Variant type: single nucleotide variant.
Coding change: c.80G>A on transcript NM_003183.6 (MANE Select); coding-DNA position 80, G replaced by A.
Protein change: p.Gly27Asp; replaces glycine 27 with aspartic acid.
Molecular consequence: missense variant. On other transcripts: 5 prime UTR variant (2).
Genome position (GRCh38, 1-based): chr2:9,555,526, C>T on the plus strand (G>A on the coding strand, the complement: ADAM17 is on the minus strand). VCF-style: chr2-9555526-C-T. GRCh37 (hg19) VCF-style: chr2-9695655-C-T.
Other names: c.-601G>A (NM_001382777.1); c.-843G>A (NM_001382778.1); short protein forms G27D.
Identifiers: ClinVar variation 3895834 (VCV003895834.1).